The following is an entry in ClinVar:

ClinVar aggregate classification (germline): Conflicting classifications of pathogenicity. Review status: criteria provided, conflicting classifications (1 of 4 stars). 3 submissions from 3 submitters: Likely pathogenic (1); Uncertain significance (2). Last evaluated 2022-02-02.

Conditions:
Combined oxidative phosphorylation defect type 23. Also called: Combined oxidative phosphorylation deficiency 23. Identifiers: Orphanet 444013, MedGen C5567743, MONDO:0014525, OMIM 616198.

Allele frequency attached by ClinVar (database versions not stated): gnomAD exomes 0.00001; ExAC 0.00002.

Submissions (3):

Labcorp Genetics (formerly Invitae), Labcorp
Classification: Uncertain significance. Last evaluated: 2022-02-02. Review status: criteria provided, single submitter. Criteria: Invitae Variant Classification Sherloc (09022015). Collection method: clinical testing. Allele origin: germline.
Comment: This sequence change replaces alanine, which is neutral and non-polar, with valine, which is neutral and non-polar, at codon 147 of the GTPBP3 protein (p.Ala147Val). This variant is present in population databases (rs774708853, gnomAD 0.003%). This variant has not been reported in the literature in individuals affected with GTPBP3-related conditions. ClinVar contains an entry for this variant (Variation ID: 488525). Algorithms developed to predict the effect of missense changes on protein structure and function are either unavailable or do not agree on the potential impact of this missense change (SIFT: "Deleterious"; PolyPhen-2: "Probably Damaging"; Align-GVGD: "Class C0"). In summary, the available evidence is currently insufficient to determine the role of this variant in disease. Therefore, it has been classified as a Variant of Uncertain Significance.

Blueprint Genetics
Classification: Uncertain significance. Last evaluated: 2019-08-15. Review status: criteria provided, single submitter. Criteria: ACMG Guidelines, 2015. Collection method: clinical testing. Allele origin: germline.

Institute of Human Genetics Munich, TUM University Hospital
Classification: Likely pathogenic for Combined oxidative phosphorylation defect type 23. Last evaluated: 2017-11-08. Review status: criteria provided, single submitter. Criteria: Classification criteria August 2017. Collection method: clinical testing. Allele origin: maternal. Inheritance: Autosomal recessive inheritance. Affected: yes. Observed: 1 compound heterozygote.

NM_032620.4(GTPBP3):c.440C>T (p.Ala147Val)

Gene: GTPBP3 (GTP binding protein 3, mitochondrial; plus strand). Cytogenetic location: 19p13.11.
Variant type: single nucleotide variant.
Coding change: c.440C>T on transcript NM_032620.4 (MANE Select); coding-DNA position 440, C replaced by T.
Protein change: p.Ala147Val; replaces alanine 147 with valine.
Molecular consequence: missense variant.
Genome position (GRCh38, 1-based): chr19:17,338,590, C>T. VCF-style: chr19-17338590-C-T. GRCh37 (hg19) VCF-style: chr19-17449399-C-T.
Other names: c.440C>T, p.Ala147Val (NM_001128855.3, NM_133644.4); c.506C>T, p.Ala169Val (NM_001195422.1); short protein forms A169V, A147V.
Identifiers: ClinVar variation 488525 (VCV000488525.9), dbSNP rs774708853, ClinGen allele CA9293360.